The following is an entry in ClinVar:

ClinVar aggregate classification (germline): Likely benign (0 of 4 stars; one submission).

Conditions:
SLC26A1-related disorder. Also called: SLC26A1-related condition.

Allele frequency attached by ClinVar (database versions not stated): gnomAD 0.00002; gnomAD exomes 0.00002; TOPMed 0.00003.
gnomAD v4.1: 32 of 1,557,278 alleles (0.0021%); highest among the groups gnomAD compares: East Asian, 0.022%; no homozygotes.

Submission:

PreventionGenetics, part of Exact Sciences
Classification: Likely benign for SLC26A1-related condition. Last evaluated: 2020-04-27. Review status: no assertion criteria provided. Collection method: clinical testing. Allele origin: germline.
Comment: This variant is classified as likely benign based on ACMG/AMP sequence variant interpretation guidelines (Richards et al. 2015 PMID: 25741868, with internal and published modifications).

NM_022042.4(SLC26A1):c.1188C>T (p.Ser396=)

Genes: IDUA (alpha-L-iduronidase; plus strand), SLC26A1 (solute carrier family 26 member 1; minus strand). Cytogenetic location: 4p16.3.
Variant type: single nucleotide variant.
Coding change: c.1188C>T on transcript NM_022042.4 (MANE Select); coding-DNA position 1188, C replaced by T.
Protein change: p.Ser396=; no amino-acid change (serine 396 retained).
Molecular consequence: synonymous variant. On other transcripts: intron variant (2).
Genome position (GRCh38, 1-based): chr4:989,751, G>A on the plus strand (C>T on the coding strand, the complement: SLC26A1 is on the minus strand). VCF-style: chr4-989751-G-A. GRCh37 (hg19) VCF-style: chr4-983539-G-A.
Other names: c.1188C>T, p.Ser396= (NM_213613.4); c.576+1377C>T (NM_134425.4); c.299+1802G>A (NM_000203.5).
Identifiers: ClinVar variation 3047472 (VCV003047472.2), dbSNP rs773383372, ClinGen allele CA2801442.